The following is an entry in ClinVar:

NM_000038.6(APC):c.216T>C (p.Leu72=)

Gene: APC (APC regulator of Wnt signaling pathway; plus strand). Cytogenetic location: 5q22.2.
Variant type: single nucleotide variant.
Coding change: c.216T>C on transcript NM_000038.6 (MANE Select); coding-DNA position 216, T replaced by C.
Protein change: p.Leu72=; no amino-acid change (leucine 72 retained).
Molecular consequence: synonymous variant. On other transcripts: 5 prime UTR variant (1).
Genome position (GRCh38, 1-based): chr5:112,766,406, T>C. VCF-style: chr5-112766406-T-C. GRCh37 (hg19) VCF-style: chr5-112102103-T-C.
Other names: c.216T>C, p.Leu72= (NM_001127510.3, NM_001354895.2, NM_001354896.2 and 2 more transcripts); c.246T>C, p.Leu82= (NM_001127511.3, NM_001354897.2, NM_001354902.2); c.141T>C, p.Leu47= (NM_001354898.2, NM_001354904.2); c.39T>C, p.Leu13= (NM_001354900.2, NM_001354901.2, NM_001354905.2); c.-820T>C (NM_001354906.2).
Identifiers: ClinVar variation 702650 (VCV000702650.18), dbSNP rs1580324752, ClinGen allele CA445753050.

ClinVar aggregate classification (germline): Benign/Likely benign. Review status: criteria provided, multiple submitters, no conflicts (2 of 4 stars). 5 submissions from 5 submitters: Benign (1); Likely benign (4). Last evaluated 2026-01-26.

Conditions:
Hereditary cancer-predisposing syndrome. Also called: Hereditary Cancer Syndrome; Tumor predisposition; Neoplastic Syndromes, Hereditary; Hereditary neoplastic syndrome. Identifiers: Orphanet 140162, MedGen C0027672, MeSH D009386, MONDO:0015356.
Familial adenomatous polyposis 1 (FAP1). Also called: FAMILIAL ADENOMATOUS POLYPOSIS 1, ATTENUATED; POLYPOSIS, ADENOMATOUS INTESTINAL. Identifiers: MedGen C2713442, MONDO:0021056, OMIM 175100. Disease mechanism: loss of function.
Classic or attenuated familial adenomatous polyposis. Identifiers: MedGen CN372698, MONDO:0021057.

Allele frequency attached by ClinVar (database versions not stated): gnomAD 0.00001; gnomAD exomes 0.00001; TOPMed 0.00001.
gnomAD v4.1: 13 of 1,605,704 alleles (0.00081%); highest among the groups gnomAD compares: Non-Finnish European, 0.0011%; no homozygotes.

Submissions (5):

Labcorp Genetics (formerly Invitae), Labcorp
Classification: Likely benign for Familial adenomatous polyposis 1. Last evaluated: 2026-01-26. Review status: criteria provided, single submitter. Criteria: Invitae Variant Classification Sherloc (09022015). Collection method: clinical testing. Allele origin: germline.

Myriad Genetics, Inc.
Classification: Benign for Familial adenomatous polyposis 1. Last evaluated: 2024-02-22. Review status: criteria provided, single submitter. Criteria: Myriad Autosomal Dominant, Autosomal Recessive and X-Linked Classification Criteria (2023). Collection method: clinical testing. Allele origin: unknown.
Comment: This variant is considered benign. This variant is a silent/synonymous amino acid change and it is not expected to impact splicing.

All of Us Research Program, National Institutes of Health
Classification: Likely benign for Classic or attenuated familial adenomatous polyposis. Last evaluated: 2023-11-30. Review status: criteria provided, single submitter. Criteria: ACMG Guidelines, 2015. Collection method: clinical testing. Allele origin: germline. Inheritance: Autosomal dominant inheritance. Observed: 1 variant allele, 1 heterozygote.
Comment: This study involves interpretation of variants in research participants for the purpose of population health screening. Participant phenotype was not available at the time of variant classification. Additional details can be found in publication PMID: 35346344, PMCID: PMC8962531

Color Diagnostics, LLC DBA Color Health
Classification: Likely benign for Hereditary cancer-predisposing syndrome. Last evaluated: 2021-12-17. Review status: criteria provided, single submitter. Criteria: ACMG Guidelines, 2015. Collection method: clinical testing. Allele origin: germline.

Ambry Genetics
Classification: Likely benign for Hereditary cancer-predisposing syndrome. Last evaluated: 2019-09-18. Review status: criteria provided, single submitter. Criteria: Ambry Variant Classification Scheme 2023. Collection method: clinical testing. Allele origin: germline.